The following is an entry in ClinVar:

NM_194454.3(KRIT1):c.646_649del (p.Lys216fs)

Gene: KRIT1 (KRIT1 ankyrin repeat containing; minus strand). Cytogenetic location: 7q21.2.
Variant type: Deletion.
Coding change: c.646_649del on transcript NM_194454.3 (MANE Select); coding-DNA positions 646 to 649, 4 bases deleted (AAGA; older notation c.646_649delAAGA).
Protein change: p.Lys216fs; shifts the reading frame from lysine 216.
Molecular consequence: frameshift variant. On other transcripts: intron variant (1).
Genome position (GRCh38, 1-based): chr7:92,235,483-92,235,486, TCTT deleted on the plus strand (AAGA on the coding strand, the reverse complement: KRIT1 is on the minus strand); deleting any 4 consecutive bases within chr7:92,235,483-92,235,487 gives the same sequence; the c. name uses the placement nearest the transcript's 3' end. VCF-style (leftmost placement, unchanged base first): chr7-92235482-CTCTT-C. GRCh37 (hg19) VCF-style: chr7-91864796-CTCTT-C.
Other names: c.646_649del, p.Lys216fs (NM_001350669.1, NM_001350670.1, NM_001350672.1 and 29 more transcripts); c.15+48_15+51del (NM_001350671.1); short protein forms K216fs.
Identifiers: ClinVar variation 4854388 (VCV004854388.1).

ClinVar aggregate classification (germline): Likely pathogenic (1 of 4 stars; one submission).

Conditions:
Cerebral cavernous malformation (CCM). Also called: Cavernous Hemangioma of Brain; CAVERNOUS ANGIOMA, FAMILIAL; CAVERNOUS ANGIOMATOUS MALFORMATIONS; CEREBRAL CAPILLARY MALFORMATIONS; Cerebral cavernous hemangioma (type); Cerebral cavernous malformations. Identifiers: Orphanet 221061, MedGen C2919945, MONDO:0000820, OMIM 116860, HP:0033522.

Submission:

3billion
Classification: Likely pathogenic for Cerebral cavernous malformation. Last evaluated: 2025-05-12. Review status: criteria provided, single submitter. Criteria: ACMG Guidelines, 2015. Collection method: clinical testing. Allele origin: germline. Affected: yes.
Comment: The variant is not observed in the gnomAD v4.1.0 dataset. Predicted Consequence/Location: Frameshift: predicted to result in a loss or disruption of normal protein function through nonsense-mediated decay (NMD) or protein truncation. Multiple pathogenic variants are reported downstream of the variant. Therefore, this variant is classified as Likely pathogenic according to the recommendation of ACMG/AMP guideline.